The following is an entry in ClinVar:

ClinVar aggregate classification (germline): Conflicting classifications of pathogenicity. Review status: criteria provided, conflicting classifications (1 of 4 stars). 6 submissions from 6 submitters: Uncertain significance (1); Benign (2); Likely benign (2). 1 of the submissions does not count toward it. Last evaluated 2018-10-17.

Conditions:
Inborn genetic diseases. Identifiers: MedGen C0950123, MeSH D030342.
DLG3-related disorder. Also called: DLG3-related condition.

Submissions (6):

Labcorp Genetics (formerly Invitae), Labcorp
Classification: Benign. Last evaluated: 2018-10-17. Review status: criteria provided, single submitter. Criteria: Invitae Variant Classification Sherloc (09022015). Collection method: clinical testing. Allele origin: germline.

Ambry Genetics
Classification: Likely benign for Inborn genetic diseases. Last evaluated: 2018-03-01. Review status: criteria provided, single submitter. Criteria: Ambry Variant Classification Scheme 2023. Collection method: clinical testing. Allele origin: germline.

Center for Pediatric Genomic Medicine, Children's Mercy Hospital and Clinics
Classification: Likely benign. Last evaluated: 2017-05-03. Review status: criteria provided, single submitter. Criteria: ACMG Guidelines, 2015. Collection method: clinical testing. Allele origin: germline.

GeneDx
Classification: Benign. Last evaluated: 2015-03-03. Review status: criteria provided, single submitter. Criteria: GeneDx Variant Classification Process June 2021. Collection method: clinical testing. Allele origin: germline. Affected: yes.

Genetic Services Laboratory, University of Chicago
Classification: Uncertain significance. Last evaluated: 2014-05-01. Review status: criteria provided, single submitter. Criteria: ACMG Guidelines, 2007. Collection method: clinical testing. Allele origin: germline.

PreventionGenetics, part of Exact Sciences
Classification: Benign for DLG3-related condition. Last evaluated: 2020-01-28. Review status: no assertion criteria provided. Collection method: clinical testing. Allele origin: germline. Not counted in ClinVar's aggregate classification.
Comment: This variant is classified as benign based on ACMG/AMP sequence variant interpretation guidelines (Richards et al. 2015 PMID: 25741868, with internal and published modifications).

NM_021120.4(DLG3):c.1405+5_1405+7del

Genes: DLG3 (discs large MAGUK scaffold protein 3; plus strand), DLG3-AS1 (DLG3 antisense RNA 1; minus strand). Cytogenetic location: Xq13.1.
Variant type: Deletion.
Coding change: c.1405+5_1405+7del on transcript NM_021120.4 (MANE Select); bases 5 to 7 of the intron after coding-DNA position 1405, 3 bases deleted (GAG; older notation c.1405+5_1405+7delGAG).
Molecular consequence: intron variant.
Genome position (GRCh38, 1-based): chrX:70,454,321-70,454,323, GAG deleted; deleting any 3 consecutive bases within chrX:70,454,319-70,454,323 gives the same sequence; the c. name uses the placement nearest the transcript's 3' end. VCF-style (leftmost placement, unchanged base first): chrX-70454318-TAGG-T. GRCh37 (hg19) VCF-style: chrX-69674168-TAGG-T.
Other names: c.394+5_394+7del (NM_020730.3); c.1405+5_1405+7delGAG (NM_021120.3).
Identifiers: ClinVar variation 210850 (VCV000210850.16), dbSNP rs797045525, ClinGen allele CA205893.